The following is an entry in ClinVar:

NM_014809.4(KIAA0319):c.*4C>T

Gene: KIAA0319 (KIAA0319; minus strand). Cytogenetic location: 6p22.3.
Variant type: single nucleotide variant.
Coding change: c.*4C>T on transcript NM_014809.4 (MANE Select); 4 bases downstream of the stop codon, C replaced by T.
Molecular consequence: 3 prime UTR variant.
Genome position (GRCh38, 1-based): chr6:24,547,161, G>A on the plus strand (C>T on the coding strand, the complement: KIAA0319 is on the minus strand). VCF-style: chr6-24547161-G-A. GRCh37 (hg19) VCF-style: chr6-24547389-G-A.
Other names: c.*4C>T (NM_001168374.2, NM_001168375.2, NM_001168376.2 and 8 more transcripts); c.*195C>T (NM_001350407.2, NM_001350408.2).
Identifiers: ClinVar variation 3039730 (VCV003039730.2), dbSNP rs141315468, ClinGen allele CA3656995.

ClinVar aggregate classification (germline): Likely benign (0 of 4 stars; one submission).

Conditions:
KIAA0319-related disorder. Also called: KIAA0319-related condition.

Allele frequency attached by ClinVar (database versions not stated): gnomAD exomes 0.00078; ExAC 0.00087; gnomAD 0.00090; 1000 Genomes Project 0.00100; TOPMed 0.00101; 1000 Genomes Project 30x 0.00125; ESP Exome Variant Server 0.00146.
gnomAD v4.1: 1,281 of 1,613,894 alleles (0.079%); highest among the groups gnomAD compares: Middle Eastern, 0.46%; 2 homozygotes.

Submission:

PreventionGenetics, part of Exact Sciences
Classification: Likely benign for KIAA0319-related condition. Last evaluated: 2020-05-21. Review status: no assertion criteria provided. Collection method: clinical testing. Allele origin: germline.
Comment: This variant is classified as likely benign based on ACMG/AMP sequence variant interpretation guidelines (Richards et al. 2015 PMID: 25741868, with internal and published modifications).